The following is an entry in ClinVar:

NM_020338.4(ZMIZ1):c.687C>T (p.Pro229=)

Gene: ZMIZ1 (zinc finger MIZ-type containing 1; plus strand). Cytogenetic location: 10q22.3.
Variant type: single nucleotide variant.
Coding change: c.687C>T on transcript NM_020338.4 (MANE Select); coding-DNA position 687, C replaced by T.
Protein change: p.Pro229=; no amino-acid change (proline 229 retained).
Molecular consequence: synonymous variant.
Genome position (GRCh38, 1-based): chr10:79,291,105, C>T. VCF-style: chr10-79291105-C-T. GRCh37 (hg19) VCF-style: chr10-81050862-C-T.
Identifiers: ClinVar variation 2044827 (VCV002044827.10), dbSNP rs149025019, ClinGen allele CA5572414.
Genomic context (GRCh38, chr10:79,291,105, plus strand): 5'-AGGCCTCAACTCCCCACAGTTTGCGGGGCAGCAGCAGCAGTTCTCAGCCAAGGCTGGCCC[C>T]GCTCAGCCCTACATCCAGCAGAGCATGTATGGCCGGCCCAACTACCCCGGCAGCGGGGGC-3'
Protein context (NP_065071.1, residues 219-239): QQQQFSAKAG[Pro229=]AQPYIQQSMY

ClinVar aggregate classification (germline): Benign/Likely benign. Review status: criteria provided, multiple submitters, no conflicts (2 of 4 stars). 2 submissions from 2 submitters: Benign (1); Likely benign (1). Last evaluated 2025-12-15.

Allele frequency attached by ClinVar (database versions not stated): gnomAD exomes 0.00008; ExAC 0.00029; gnomAD 0.00079; TOPMed 0.00091; ESP Exome Variant Server 0.00115; 1000 Genomes Project 30x 0.00156; 1000 Genomes Project 0.00160.
gnomAD v4.1: 239 of 1,614,218 alleles (0.015%); highest among the groups gnomAD compares: African/African-American, 0.27%; 1 homozygote.

Submissions (2):

Labcorp Genetics (formerly Invitae), Labcorp
Classification: Benign. Last evaluated: 2025-12-15. Review status: criteria provided, single submitter. Criteria: Invitae Variant Classification Sherloc (09022015). Collection method: clinical testing. Allele origin: germline.

CeGaT Center for Human Genetics Tuebingen
Classification: Likely benign. Last evaluated: 2025-11-01. Review status: criteria provided, single submitter. Criteria: CeGaT Center For Human Genetics Tuebingen Variant Classification Criteria Version 2. Collection method: clinical testing. Allele origin: germline. Affected: yes. Observed: 1 variant allele.
Comment: ZMIZ1: BP4, BP7